The following is an entry in ClinVar:

NM_001369.3(DNAH5):c.3880G>T (p.Glu1294Ter)

Genes: DNAH5 (dynein axonemal heavy chain 5; minus strand), DNAH5-AS1 (DNAH5 antisense RNA 1; plus strand). Cytogenetic location: 5p15.2.
Variant type: single nucleotide variant.
Coding change: c.3880G>T on transcript NM_001369.3 (MANE Select); coding-DNA position 3880, G replaced by T.
Protein change: p.Glu1294Ter; replaces glutamic acid 1294 with a stop codon.
Molecular consequence: nonsense.
Genome position (GRCh38, 1-based): chr5:13,867,947, C>A on the plus strand (G>T on the coding strand, the complement: DNAH5 is on the minus strand). VCF-style: chr5-13867947-C-A. GRCh37 (hg19) VCF-style: chr5-13868056-C-A.
Other names: short protein forms E1294*.
Identifiers: ClinVar variation 1725925 (VCV001725925.2), dbSNP rs2546988568, ClinGen allele CA359229664.

ClinVar aggregate classification (germline): Likely pathogenic (1 of 4 stars; one submission).

Conditions:
Primary ciliary dyskinesia 3. Identifiers: Orphanet 244, MedGen C1837618, MONDO:0012085, OMIM 608644.

Submission:

Myriad Genetics, Inc.
Classification: Likely pathogenic for Primary ciliary dyskinesia 3. Last evaluated: 2022-04-15. Review status: criteria provided, single submitter. Criteria: Myriad Women's Health Autosomal Recessive and X-Linked Classification Criteria (2021). Collection method: clinical testing. Allele origin: unknown.
Comment: NM_001369.2(DNAH5):c.3880G>T(E1294*) is expected to be pathogenic in the context of DNAH5-related primary ciliary dyskinesia. This variant is predicted to lead to an abnormal or absent protein product due to the creation of a premature termination codon in DNAH5, a gene where loss-of-function variants are known to be pathogenic. Please note: this variant was assessed in the context of healthy population screening.